The following is an entry in ClinVar:

NM_001048174.2(MUTYH):c.168C>A (p.Tyr56Ter)

Gene: MUTYH (mutY DNA glycosylase; minus strand). Cytogenetic location: 1p34.1.
Variant type: single nucleotide variant.
Coding change: c.168C>A on transcript NM_001048174.2 (MANE Select); coding-DNA position 168, C replaced by A.
Protein change: p.Tyr56Ter; replaces tyrosine 56 with a stop codon.
Molecular consequence: nonsense. On other transcripts: 5 prime UTR variant (1), non-coding transcript variant (2), intron variant (3).
Genome position (GRCh38, 1-based): chr1:45,333,509, G>T on the plus strand (C>A on the coding strand, the complement: MUTYH is on the minus strand). VCF-style: chr1-45333509-G-T. GRCh37 (hg19) VCF-style: chr1-45799181-G-T.
Other names: c.168C>A, p.Tyr56Ter (NM_001048171.2, NM_001048173.2, NM_001293195.2); c.171C>A, p.Tyr57Ter (NM_001048172.2); c.252C>A, p.Tyr84Ter (NM_001128425.2); c.213C>A, p.Tyr71Ter (NM_001293190.2); c.201C>A, p.Tyr67Ter (NM_001293191.2); c.-104C>A (NM_001350650.2); c.243C>A, p.Tyr81Ter (NM_012222.3); c.-92-12C>A (NM_001350651.2); and 1 more; short protein forms Y56*, Y67*, Y71*, Y81*, Y57*, Y84*.
Identifiers: ClinVar variation 859310 (VCV000859310.32), dbSNP rs1645371113, ClinGen allele CA340136522.

ClinVar aggregate classification (germline): Pathogenic/Likely pathogenic. Review status: criteria provided, multiple submitters, no conflicts (2 of 4 stars). 8 submissions from 8 submitters: Pathogenic (7); Likely pathogenic (1). Last evaluated 2025-11-17.

Conditions:
Hereditary cancer-predisposing syndrome. Also called: Neoplastic Syndromes, Hereditary; Tumor predisposition; Hereditary Cancer Syndrome; Hereditary neoplastic syndrome. Identifiers: Orphanet 140162, MedGen C0027672, MeSH D009386, MONDO:0015356.
Familial adenomatous polyposis 2. Also called: MYH-associated polyposis; FAP type 2; MUTYH-associated polyposis; MUTYH Polyposis; COLORECTAL ADENOMATOUS POLYPOSIS, AUTOSOMAL RECESSIVE; ADENOMAS, MULTIPLE COLORECTAL, AUTOSOMAL RECESSIVE. Identifiers: Orphanet 220460, Orphanet 247798, MedGen C3272841, MONDO:0012041, OMIM 608456.
MUTYH-related disorder. Also called: MUTYH-related disorders; MUTYH-related condition.

gnomAD v4.1: 1 of 1,614,212 alleles (0.000062%); highest among the groups gnomAD compares: Middle Eastern, 0.016%; no homozygotes.

Submissions (8):

Labcorp Genetics (formerly Invitae), Labcorp
Classification: Pathogenic for Familial adenomatous polyposis 2. Last evaluated: 2025-11-17. Review status: criteria provided, single submitter. Criteria: Invitae Variant Classification Sherloc (09022015). Collection method: clinical testing. Allele origin: germline.
Comment: This sequence change creates a premature translational stop signal (p.Tyr84*) in the MUTYH gene. It is expected to result in an absent or disrupted protein product. Loss-of-function variants in MUTYH are known to be pathogenic (PMID: 18534194, 20663686). This variant is not present in population databases (gnomAD no frequency). This variant has not been reported in the literature in individuals affected with MUTYH-related conditions. ClinVar contains an entry for this variant (Variation ID: 859310). For these reasons, this variant has been classified as Pathogenic.

Ambry Genetics
Classification: Pathogenic for Hereditary cancer-predisposing syndrome. Last evaluated: 2025-09-29. Review status: criteria provided, single submitter. Criteria: Ambry Variant Classification Scheme 2023. Collection method: clinical testing. Allele origin: germline.
Comment: The p.Y84* pathogenic mutation (also known as c.252C>A), located in coding exon 3 of the MUTYH gene, results from a C to A substitution at nucleotide position 252. This changes the amino acid from a tyrosine to a stop codon within coding exon 3. This variant is considered to be rare based on population cohorts in the Genome Aggregation Database (gnomAD). This alteration is expected to result in loss of function by premature protein truncation or nonsense-mediated mRNA decay. As such, this alteration is interpreted as a disease-causing mutation.

GeneDx
Classification: Pathogenic. Last evaluated: 2025-03-26. Review status: criteria provided, single submitter. Criteria: GeneDx Variant Classification Process June 2021. Collection method: clinical testing. Allele origin: germline. Affected: yes.
Comment: Nonsense variant predicted to result in protein truncation or nonsense mediated decay in a gene for which loss of function is a known mechanism of disease; Not observed at significant frequency in large population cohorts (gnomAD); Also known as c.168C>A; p.Y56*; This variant is associated with the following publications: (PMID: 36740502, 34428338, 37306523, 35150601)

Center for Genomic Medicine, Rigshospitalet, Copenhagen University Hospital
Classification: Pathogenic. Last evaluated: 2025-03-04. Review status: criteria provided, single submitter. Criteria: ACMG Guidelines, 2015. Collection method: clinical testing. Allele origin: germline.

Blueprint Genetics
Classification: Pathogenic for MUTYH-related disorders. Last evaluated: 2024-09-19. Review status: criteria provided, single submitter. Criteria: ACMG Guidelines, 2015. Collection method: clinical testing. Allele origin: germline. Affected: yes. Observed: 2 variant alleles.

Genomic Medicine Center of Excellence, King Faisal Specialist Hospital and Research Centre
Classification: Pathogenic for Familial adenomatous polyposis 2. Last evaluated: 2024-03-25. Review status: criteria provided, single submitter. Criteria: ACMG Guidelines, 2015. Collection method: research. Allele origin: germline.

Revvity Omics, Revvity
Classification: Likely pathogenic for Familial adenomatous polyposis 2. Last evaluated: 2021-04-20. Review status: criteria provided, single submitter. Criteria: ACMG Guidelines, 2015. Collection method: clinical testing. Allele origin: germline.

Color Diagnostics, LLC DBA Color Health
Classification: Pathogenic for Hereditary cancer-predisposing syndrome. Last evaluated: 2020-01-15. Review status: criteria provided, single submitter. Criteria: ACMG Guidelines, 2015. Collection method: clinical testing. Allele origin: germline.
Comment: This variant changes 1 nucleotide in exon 3 of the MUTYH gene, creating a premature translation stop signal. This variant is expected to result in an absent or non-functional protein product. This variant has not been identified in the general population by the Genome Aggregation Database (gnomAD). Loss of MUTYH function is a known mechanism of disease. Based on the available evidence, this variant is classified as Pathogenic.

Literature cited by the submitters: PubMed 18534194 (cited by Labcorp Genetics (formerly Invitae), Labcorp); PubMed 20663686 (cited by Labcorp Genetics (formerly Invitae), Labcorp).